The following is an entry in ClinVar:

ClinVar aggregate classification (germline): Pathogenic. Review status: criteria provided, multiple submitters, no conflicts (2 of 4 stars). 4 submissions from 4 submitters: Pathogenic (4). Last evaluated 2026-04-25.

Conditions:
DNAJB11-related disorders.
Autosomal dominant polycystic kidney disease. Identifiers: Orphanet 730, MedGen C0085413, MONDO:0004691.
DNAJB11-related disorder. Also called: DNAJB11-related condition.

Allele frequency attached by ClinVar (database versions not stated): gnomAD exomes below 0.00001; TOPMed below 0.00001; ExAC 0.00001; ESP Exome Variant Server 0.00008.
gnomAD v4.1: 5 of 1,601,328 alleles (0.00031%); highest among the groups gnomAD compares: Non-Finnish European, 0.00043%; no homozygotes.

Submissions (4):

PreventionGenetics, part of Exact Sciences
Classification: Pathogenic for DNAJB11-related condition. Last evaluated: 2026-04-25. Review status: criteria provided, single submitter. Criteria: ACMG Guidelines, 2015. Collection method: clinical testing. Allele origin: germline.
Comment: The DNAJB11 c.100C>T variant is predicted to result in premature protein termination (p.Arg34*). This variant has been reported in individuals with autosomal dominant polycystic kidney disease (ADPKD) (Huynh et al 2020. PubMed ID: 32631624). This variant is reported in 0.00090% of alleles in individuals of European (Non-Finnish) descent in gnomAD. Nonsense variants in DNAJB11 are expected to be pathogenic. This variant is interpreted as pathogenic.

Mayo Translational Polycystic Kidney Disease Center, Mayo Clinic
Classification: Pathogenic for Autosomal dominant polycystic kidney disease. Last evaluated: 2026-01-30. Review status: criteria provided, single submitter. Criteria: ACMG Guidelines, 2015. Collection method: research. Allele origin: germline. Inheritance: Autosomal dominant inheritance. Affected: yes.
Comment: The c.100C>T variant in the DNAJB11 gene results in a premature stop codon at position 34 (p.Arg34Ter) and is predicted to produce a truncated protein lacking essential functional domains. This nonsense variant is expected to lead to loss of function through production of a nonfunctional protein, meeting the PVS1 criterion. The variant is extremely rare, with an allele frequency of less than 0.01% in population databases such as gnomAD v4.1.0, supporting PM2. Loss-of-function variants in DNAJB11 are a known mechanism of disease and are associated with atypical autosomal dominant polycystic kidney disease. This specific variant has been reported in individuals from multiple families with kidney and/or liver cystic disease (PMID: 32631624), providing supporting evidence for PP4 based on phenotype–genotype consistency. Based on the nature of the mutation, its rarity, the established disease mechanism, and supporting clinical reports, this variant is best classified as pathogenic.

Blueprint Genetics
Classification: Pathogenic for DNAJB11-related disorders. Last evaluated: 2023-06-15. Review status: criteria provided, single submitter. Criteria: ACMG Guidelines, 2015. Collection method: clinical testing. Allele origin: germline. Affected: yes. Observed: 3 variant alleles.

Labcorp Genetics (formerly Invitae), Labcorp
Classification: Pathogenic. Last evaluated: 2022-04-21. Review status: criteria provided, single submitter. Criteria: Invitae Variant Classification Sherloc (09022015). Collection method: clinical testing. Allele origin: germline.
Comment: For these reasons, this variant has been classified as Pathogenic. This premature translational stop signal has been observed in individual(s) with polycystic kidney disease (PMID: 32631624). The frequency data for this variant in the population databases is considered unreliable, as metrics indicate poor data quality at this position in the gnomAD database. This sequence change creates a premature translational stop signal (p.Arg34*) in the DNAJB11 gene. It is expected to result in an absent or disrupted protein product. Loss-of-function variants in DNAJB11 are known to be pathogenic (PMID: 32631624).

Literature cited by the submitters: PubMed 32631624 (cited by Mayo Translational Polycystic Kidney Disease Center, Mayo Clinic and Labcorp Genetics (formerly Invitae), Labcorp).

NM_016306.6(DNAJB11):c.100C>T (p.Arg34Ter)

Gene: DNAJB11 (DnaJ heat shock protein family (Hsp40) member B11; plus strand). Cytogenetic location: 3q27.3.
Variant type: single nucleotide variant.
Coding change: c.100C>T on transcript NM_016306.6 (MANE Select); coding-DNA position 100, C replaced by T.
Protein change: p.Arg34Ter; replaces arginine 34 with a stop codon.
Molecular consequence: nonsense. On other transcripts: non-coding transcript variant (6).
Genome position (GRCh38, 1-based): chr3:186,572,126, C>T. VCF-style: chr3-186572126-C-T. GRCh37 (hg19) VCF-style: chr3-186289915-C-T.
Other names: c.100C>T (NM_016306.5, NM_016306.4); c.100C>T, p.Arg34Ter (NM_001378451.1); short protein forms R34*.
Identifiers: ClinVar variation 2053433 (VCV002053433.6), dbSNP rs148976481, ClinGen allele CA2744421.